The following is an entry in ClinVar:

ClinVar aggregate classification (germline): Uncertain significance (1 of 4 stars; one submission).

Submission:

Labcorp Genetics (formerly Invitae), Labcorp
Classification: Uncertain significance. Last evaluated: 2023-12-11. Review status: criteria provided, single submitter. Criteria: Invitae Variant Classification Sherloc (09022015). Collection method: clinical testing. Allele origin: germline.
Comment: This sequence change replaces arginine, which is basic and polar, with glycine, which is neutral and non-polar, at codon 446 of the TFRC protein (p.Arg446Gly). This variant is not present in population databases (gnomAD no frequency). This variant has not been reported in the literature in individuals affected with TFRC-related conditions. Advanced modeling of protein sequence and biophysical properties (such as structural, functional, and spatial information, amino acid conservation, physicochemical variation, residue mobility, and thermodynamic stability) performed at Invitae indicates that this missense variant is expected to disrupt TFRC protein function with a positive predictive value of 80%. In summary, the available evidence is currently insufficient to determine the role of this variant in disease. Therefore, it has been classified as a Variant of Uncertain Significance.

NM_001128148.3(TFRC):c.1336A>G (p.Arg446Gly)

Gene: TFRC (transferrin receptor; minus strand). Cytogenetic location: 3q29.
Variant type: single nucleotide variant.
Coding change: c.1336A>G on transcript NM_001128148.3 (MANE Select); coding-DNA position 1336, A replaced by G.
Protein change: p.Arg446Gly; replaces arginine 446 with glycine.
Molecular consequence: missense variant.
Genome position (GRCh38, 1-based): chr3:196,062,922, T>C on the plus strand (A>G on the coding strand, the complement: TFRC is on the minus strand). VCF-style: chr3-196062922-T-C. GRCh37 (hg19) VCF-style: chr3-195789793-T-C.
Other names: c.1093A>G, p.Arg365Gly (NM_001313965.2); c.490A>G, p.Arg164Gly (NM_001313966.2); c.1336A>G, p.Arg446Gly (NM_003234.4); short protein forms R164G, R446G, R365G.
Identifiers: ClinVar variation 2756995 (VCV002756995.3), dbSNP rs2473958775, ClinGen allele CA355570636.
Genomic context (GRCh38, chr3:196,062,922, plus strand): 5'-ATTCAGTGGCACCAACCGATCCAAAGTCTCCAGCACTCCAACTGGCAAAGATAATGCTTC[T>C]GCTGGGCTGAAACCCATCTGAAAGAGAAAAAAGTTAGCTTTACCTGAGGAAAGGTTATAC-3'
Protein context (NP_001121620.1, residues 436-456): MVLKDGFQPS[Arg446Gly]SIIFASWSAG